The following is an entry in ClinVar:

ClinVar aggregate classification (germline): Benign/Likely benign. Review status: criteria provided, multiple submitters, no conflicts (2 of 4 stars). 4 submissions from 4 submitters: Benign (1); Likely benign (2). 1 of the submissions does not count toward it. Last evaluated 2026-01-05.

Conditions:
ADNP-related disorder. Also called: ADNP-related condition.
Inborn genetic diseases. Identifiers: MedGen C0950123, MeSH D030342.

Allele frequency attached by ClinVar (database versions not stated): ExAC 0.00012; gnomAD 0.00012 and 0.00013; ESP Exome Variant Server 0.00015; gnomAD exomes 0.00017 and 0.00020; TOPMed 0.00018; 1000 Genomes Project 0.00020; 1000 Genomes Project 30x 0.00031.
gnomAD v4.1: 277 of 1,613,952 alleles (0.017%); highest among the groups gnomAD compares: Admixed American, 0.047%; no homozygotes.

Submissions (4):

Labcorp Genetics (formerly Invitae), Labcorp
Classification: Likely benign. Last evaluated: 2026-01-05. Review status: criteria provided, single submitter. Criteria: Invitae Variant Classification Sherloc (09022015). Collection method: clinical testing. Allele origin: germline.

Ambry Genetics
Classification: Likely benign for Inborn genetic diseases. Last evaluated: 2021-07-09. Review status: criteria provided, single submitter. Criteria: Ambry Variant Classification Scheme 2023. Collection method: clinical testing. Allele origin: germline.

GeneDx
Classification: Benign. Last evaluated: 2020-09-03. Review status: criteria provided, single submitter. Criteria: GeneDx Variant Classification Process June 2021. Collection method: clinical testing. Allele origin: germline. Affected: yes.

PreventionGenetics, part of Exact Sciences
Classification: Likely benign for ADNP-related condition. Last evaluated: 2022-09-07. Review status: no assertion criteria provided. Collection method: clinical testing. Allele origin: germline. Not counted in ClinVar's aggregate classification.
Comment: This variant is classified as likely benign based on ACMG/AMP sequence variant interpretation guidelines (Richards et al. 2015 PMID: 25741868, with internal and published modifications).

NM_001282531.3(ADNP):c.1163C>T (p.Ala388Val)

Gene: ADNP (activity dependent neuroprotector homeobox; minus strand). Cytogenetic location: 20q13.13.
Variant type: single nucleotide variant.
Coding change: c.1163C>T on transcript NM_001282531.3 (MANE Select); coding-DNA position 1163, C replaced by T.
Protein change: p.Ala388Val; replaces alanine 388 with valine.
Molecular consequence: missense variant.
Genome position (GRCh38, 1-based): chr20:50,893,551, G>A on the plus strand (C>T on the coding strand, the complement: ADNP is on the minus strand). VCF-style: chr20-50893551-G-A. GRCh37 (hg19) VCF-style: chr20-49510088-G-A.
Other names: c.1163C>T, p.Ala388Val (NM_001282532.2, NM_001347511.2, NM_015339.5 and 1 more transcripts); c.1163C>T (NM_001282531.2); short protein forms A388V.
Identifiers: ClinVar variation 1245671 (VCV001245671.11), dbSNP rs200732604, ClinGen allele CA9908767.